The following is an entry in ClinVar:

ClinVar aggregate classification (germline): Uncertain significance. Review status: criteria provided, multiple submitters, no conflicts (2 of 4 stars). 2 submissions from 2 submitters: Uncertain significance (2). Last evaluated 2025-10-24.

Allele frequency attached by ClinVar (database versions not stated): ExAC 0.00015; 1000 Genomes Project 0.00100; TOPMed below 0.00001; 1000 Genomes Project 30x 0.00078.
gnomAD v4.1: 81 of 1,614,204 alleles (0.005%); highest among the groups gnomAD compares: South Asian, 0.081%; no homozygotes.

Submissions (2):

Mayo Clinic Laboratories, Mayo Clinic
Classification: Uncertain significance. Last evaluated: 2025-10-24. Review status: criteria provided, single submitter. Criteria: ACMG Guidelines, 2015. Collection method: clinical testing. Allele origin: germline. Observed: 1 variant allele.
Comment: BP4_moderate

Labcorp Genetics (formerly Invitae), Labcorp
Classification: Uncertain significance. Last evaluated: 2022-11-01. Review status: criteria provided, single submitter. Criteria: Invitae Variant Classification Sherloc (09022015). Collection method: clinical testing. Allele origin: germline.
Comment: This sequence change replaces glutamine, which is neutral and polar, with arginine, which is basic and polar, at codon 809 of the EFL1 protein (p.Gln809Arg). This variant is present in population databases (rs538304453, gnomAD 0.1%). This variant has not been reported in the literature in individuals affected with EFL1-related conditions. ClinVar contains an entry for this variant (Variation ID: 1382024). Advanced modeling of protein sequence and biophysical properties (such as structural, functional, and spatial information, amino acid conservation, physicochemical variation, residue mobility, and thermodynamic stability) performed at Invitae indicates that this missense variant is not expected to disrupt EFL1 protein function. In summary, the available evidence is currently insufficient to determine the role of this variant in disease. Therefore, it has been classified as a Variant of Uncertain Significance.

NM_024580.6(EFL1):c.2426A>G (p.Gln809Arg)

Gene: EFL1 (elongation factor like GTPase 1; minus strand). Cytogenetic location: 15q25.2.
Variant type: single nucleotide variant.
Coding change: c.2426A>G on transcript NM_024580.6 (MANE Select); coding-DNA position 2426, A replaced by G.
Protein change: p.Gln809Arg; replaces glutamine 809 with arginine.
Molecular consequence: missense variant. On other transcripts: non-coding transcript variant (1).
Genome position (GRCh38, 1-based): chr15:82,152,028, T>C on the plus strand (A>G on the coding strand, the complement: EFL1 is on the minus strand). VCF-style: chr15-82152028-T-C. GRCh37 (hg19) VCF-style: chr15-82444369-T-C.
Other names: p.Gln809Arg; c.2273A>G, p.Gln758Arg (NM_001040610.3); c.1637A>G, p.Gln546Arg (NM_001322844.2); c.2426A>G, p.Gln809Arg (NM_001322845.2); short protein forms Q758R, Q809R, Q546R.
Identifiers: ClinVar variation 1382024 (VCV001382024.4), dbSNP rs538304453, ClinGen allele CA7697749.